The following is an entry in ClinVar:

ClinVar aggregate classification (germline): Likely benign. Review status: criteria provided, multiple submitters, no conflicts (2 of 4 stars). 5 submissions from 5 submitters: Likely benign (5). Last evaluated 2025-07-30.

Conditions:
Episodic ataxia type 2 (EA2). Also called: ACETAZOLAMIDE-RESPONSIVE HEREDITARY PAROXYSMAL CEREBELLAR ATAXIA; ATAXIA, EPISODIC, WITH NYSTAGMUS; ATAXIA, FAMILIAL PAROXYSMAL; CEREBELLAR ATAXIA, PAROXYSMAL, ACETAZOLAMIDE-RESPONSIVE; CEREBELLOPATHY, HEREDITARY PAROXYSMAL; EPISODIC ATAXIA, NYSTAGMUS-ASSOCIATED. Identifiers: Orphanet 97, MedGen C1720416, MONDO:0007163, OMIM 108500.
Developmental and epileptic encephalopathy, 42 (DEE42A). Also called: Epileptic encephalopathy, early infantile, 42; DEVELOPMENTAL AND EPILEPTIC ENCEPHALOPATHY 42A; EPILEPTIC ENCEPHALOPATHY, EARLY INFANTILE, 42A. Identifiers: MedGen C4310716, MONDO:0014917, OMIM 617106.
CACNA1A-related disorder. Also called: CACNA1A-related condition.

Allele frequency attached by ClinVar (database versions not stated): gnomAD exomes 0.00004 and 0.00011; 1000 Genomes Project 30x 0.00031; ExAC 0.00035; 1000 Genomes Project 0.00040.
gnomAD v4.1: 57 of 1,537,604 alleles (0.0037%); highest among the groups gnomAD compares: South Asian, 0.05%; no homozygotes.

Submissions (5):

Labcorp Genetics (formerly Invitae), Labcorp
Classification: Likely benign for Developmental and epileptic encephalopathy, 42; Episodic ataxia type 2. Last evaluated: 2025-07-30. Review status: criteria provided, single submitter. Criteria: Invitae Variant Classification Sherloc (09022015). Collection method: clinical testing. Allele origin: germline.

PreventionGenetics, part of Exact Sciences
Classification: Likely benign for CACNA1A-related condition. Last evaluated: 2024-11-13. Review status: criteria provided, single submitter. Criteria: ACMG Guidelines, 2015. Collection method: clinical testing. Allele origin: germline.
Comment: This variant is classified as likely benign based on ACMG/AMP sequence variant interpretation guidelines (Richards et al. 2015 PMID: 25741868, with internal and published modifications).

Blueprint Genetics
Classification: Likely benign. Last evaluated: 2024-08-13. Review status: criteria provided, single submitter. Criteria: ACMG Guidelines, 2015. Collection method: clinical testing. Allele origin: germline.

CeGaT Center for Human Genetics Tuebingen
Classification: Likely benign. Last evaluated: 2022-07-01. Review status: criteria provided, single submitter. Criteria: CeGaT Center For Human Genetics Tuebingen Variant Classification Criteria Version 2. Collection method: clinical testing. Allele origin: germline. Affected: yes. Observed: 1 variant allele.
Comment: CACNA1A: BP4, BP7

GeneDx
Classification: Likely benign. Last evaluated: 2017-01-20. Review status: criteria provided, single submitter. Criteria: GeneDx Variant Classification (06012015). Collection method: clinical testing. Allele origin: germline. Affected: yes.
Comment: This variant is considered likely benign or benign based on one or more of the following criteria: it is a conservative change, it occurs at a poorly conserved position in the protein, it is predicted to be benign by multiple in silico algorithms, and/or has population frequency not consistent with disease.

NM_001127222.2(CACNA1A):c.6573G>A (p.Pro2191=)

Gene: CACNA1A (calcium voltage-gated channel subunit alpha1 A; minus strand). Cytogenetic location: 19p13.13.
Variant type: single nucleotide variant.
Coding change: c.6573G>A on transcript NM_001127222.2 (MANE Select); coding-DNA position 6573, G replaced by A.
Protein change: p.Pro2191=; no amino-acid change (proline 2191 retained).
Molecular consequence: synonymous variant.
Genome position (GRCh38, 1-based): chr19:13,208,963, C>T on the plus strand (G>A on the coding strand, the complement: CACNA1A is on the minus strand). VCF-style: chr19-13208963-C-T. GRCh37 (hg19) VCF-style: chr19-13319777-C-T.
Other names: c.6573G>A (NM_001127222.1); c.6591G>A, p.Pro2197= (NM_000068.4, NM_023035.3); c.6576G>A, p.Pro2192= (NM_001127221.2); c.6582G>A, p.Pro2194= (NM_001174080.2).
Identifiers: ClinVar variation 517697 (VCV000517697.41), dbSNP rs554430594, ClinGen allele CA9239329.